The following is an entry in ClinVar:

ClinVar aggregate classification (germline): Uncertain significance (1 of 4 stars; one submission).

Submission:

Labcorp Genetics (formerly Invitae), Labcorp
Classification: Uncertain significance. Last evaluated: 2022-08-19. Review status: criteria provided, single submitter. Criteria: Invitae Variant Classification Sherloc (09022015). Collection method: clinical testing. Allele origin: germline.
Comment: In summary, the available evidence is currently insufficient to determine the role of this variant in disease. Therefore, it has been classified as a Variant of Uncertain Significance. Algorithms developed to predict the effect of missense changes on protein structure and function are either unavailable or do not agree on the potential impact of this missense change (SIFT: "Not Available"; PolyPhen-2: "Probably Damaging"; Align-GVGD: "Not Available"). This variant has not been reported in the literature in individuals affected with TUBG1-related conditions. The frequency data for this variant in the population databases is considered unreliable, as metrics indicate poor data quality at this position in the gnomAD database. This sequence change replaces valine, which is neutral and non-polar, with threonine, which is neutral and polar, at codon 65 of the TUBG1 protein (p.Val65Thr).

NM_001070.5(TUBG1):c.193_194inv (p.Val65Thr)

Gene: TUBG1 (tubulin gamma 1; plus strand). Cytogenetic location: 17q21.2.
Variant type: Inversion.
Coding change: c.193_194inv on transcript NM_001070.5 (MANE Select).
Protein change: p.Val65Thr; replaces valine 65 with threonine.
Molecular consequence: missense variant.
Genome position: GRCh38 VCF-style: chr17-42610453-GT-AC. GRCh37 (hg19) VCF-style: chr17-40762471-GT-AC.
Other names: short protein forms V65T.
Identifiers: ClinVar variation 1956453 (VCV001956453.5), ClinGen allele CA2580093740.